The following is an entry in ClinVar:

NM_001378030.1(CCDC78):c.953+1G>A

Gene: CCDC78 (coiled-coil domain containing 78; minus strand). Cytogenetic location: 16p13.3.
Variant type: single nucleotide variant.
Coding change: c.953+1G>A on transcript NM_001378030.1 (MANE Select); the canonical splice donor site of the intron after coding-DNA position 953, G replaced by A.
Molecular consequence: splice donor variant.
Genome position (GRCh38, 1-based): chr16:724,321, C>T on the plus strand (G>A on the coding strand, the complement: CCDC78 is on the minus strand). VCF-style: chr16-724321-C-T. GRCh37 (hg19) VCF-style: chr16-774321-C-T.
Other names: c.386+1G>A (NM_001378033.1); c.953+1G>A (NM_001378031.1, NM_001031737.3).
Identifiers: ClinVar variation 3668980 (VCV003668980.3).

ClinVar aggregate classification (germline): Uncertain significance. Review status: criteria provided, multiple submitters, no conflicts (2 of 4 stars). 2 submissions from 2 submitters: Uncertain significance (2). Last evaluated 2025-10-22.

Conditions:
Congenital myopathy with internal nuclei and atypical cores. Also called: Myopathy, centronuclear, 4. Identifiers: Orphanet 319160, MedGen C4707232, MONDO:0013890, OMIM 614807.

gnomAD v4.1: 21 of 1,610,228 alleles (0.0013%); highest among the groups gnomAD compares: Middle Eastern, 0.066%; no homozygotes.

Submissions (2):

Labcorp Genetics (formerly Invitae), Labcorp
Classification: Uncertain significance for Congenital myopathy with internal nuclei and atypical cores. Last evaluated: 2025-10-22. Review status: criteria provided, single submitter. Criteria: Invitae Variant Classification Sherloc (09022015). Collection method: clinical testing. Allele origin: germline.
Comment: This sequence change affects a donor splice site in intron 9 of the CCDC78 gene. It is expected to disrupt RNA splicing. Variants that disrupt the donor or acceptor splice site typically lead to a loss of protein function (PMID: 16199547), however the current clinical and genetic evidence is not sufficient to establish whether loss-of-function variants in CCDC78 cause disease. This variant is present in population databases (rs374915151, gnomAD 0.002%). Disruption of this splice site has been observed in individual(s) with clinical features of CCDC78-related conditions (PMID: 38374194). ClinVar contains an entry for this variant (Variation ID: 3668980). Algorithms developed to predict the effect of sequence changes on RNA splicing suggest that this variant may disrupt the consensus splice site. In summary, the available evidence is currently insufficient to determine the role of this variant in disease. Therefore, it has been classified as a Variant of Uncertain Significance.

Kariminejad - Najmabadi Pathology & Genetics Center
Classification: Uncertain significance for Congenital myopathy with internal nuclei and atypical cores. Last evaluated: 2020-02-16. Review status: criteria provided, single submitter. Criteria: ACMG Guidelines, 2015. Collection method: clinical testing. Allele origin: germline. Inheritance: Autosomal dominant inheritance. Affected: yes.
Comment: PVS1_Moderate, PM2

Literature cited by the submitters: PubMed 16199547 (cited by Labcorp Genetics (formerly Invitae), Labcorp); PubMed 38374194 (cited by Labcorp Genetics (formerly Invitae), Labcorp).